The following is an entry in ClinVar:

NM_005359.6(SMAD4):c.250-10A>G

Gene: SMAD4 (SMAD family member 4; plus strand). Cytogenetic location: 18q21.2.
Variant type: single nucleotide variant.
Coding change: c.250-10A>G on transcript NM_005359.6 (MANE Select); 10 bases into the intron before coding-DNA position 250, A replaced by G.
Molecular consequence: intron variant.
Genome position (GRCh38, 1-based): chr18:51,048,676, A>G. VCF-style: chr18-51048676-A-G. GRCh37 (hg19) VCF-style: chr18-48575046-A-G.
Identifiers: ClinVar variation 756977 (VCV000756977.13), dbSNP rs1599182364, ClinGen allele CA915951525.

ClinVar aggregate classification (germline): Likely benign. Review status: criteria provided, multiple submitters, no conflicts (2 of 4 stars). 4 submissions from 4 submitters: Likely benign (2). 2 of the submissions do not count toward it. Last evaluated 2023-07-12.

Conditions:
Juvenile polyposis syndrome (JPS). Identifiers: Orphanet 2929, MedGen C0345893, MONDO:0017380, OMIM 174900.
Juvenile polyposis/hereditary hemorrhagic telangiectasia syndrome (JPHT). Also called: Juvenile Polyposis Syndrome / Hereditary Hemorrhagic Telangiectasia (JPS/HHT); JP/HHT SYNDROME; JUVENILE POLYPOSIS WITH HEREDITARY HEMORRHAGIC TELANGIECTASIA; POLYPOSIS, GENERALIZED JUVENILE, WITH PULMONARY ARTERIOVENOUS MALFORMATION; TELANGIECTASIA, HEREDITARY HEMORRHAGIC, WITH JUVENILE POLYPOSIS COLI. Identifiers: Orphanet 2929, MedGen C1832942, MONDO:0008278, OMIM 175050.

Allele frequency attached by ClinVar (database versions not stated): TOPMed below 0.00001.

Submissions (4):

Labcorp Genetics (formerly Invitae), Labcorp
Classification: Likely benign for Juvenile polyposis syndrome. Last evaluated: 2023-07-12. Review status: criteria provided, single submitter. Criteria: Invitae Variant Classification Sherloc (09022015). Collection method: clinical testing. Allele origin: germline.

All of Us Research Program, National Institutes of Health
Classification: Likely benign for Juvenile polyposis/hereditary hemorrhagic telangiectasia syndrome. Last evaluated: 2023-03-23. Review status: criteria provided, single submitter. Criteria: ACMG Guidelines, 2015. Collection method: clinical testing. Allele origin: germline. Inheritance: Autosomal dominant inheritance. Observed: 1 variant allele, 1 heterozygote.
Comment: This study involves interpretation of variants in research participants for the purpose of population health screening. Participant phenotype was not available at the time of variant classification. Additional details can be found in publication PMID: 35346344, PMCID: PMC8962531

Clinical Genetics DNA and cytogenetics Diagnostics Lab, Erasmus MC, Erasmus Medical Center
Classification: Likely benign. Review status: no assertion criteria provided. Collection method: clinical testing. Allele origin: germline. Affected: yes. Study: VKGL Data-share Consensus. Not counted in ClinVar's aggregate classification.

Genome Diagnostics Laboratory, Amsterdam University Medical Center
Classification: Likely benign. Review status: no assertion criteria provided. Collection method: clinical testing. Allele origin: germline. Affected: yes. Study: VKGL Data-share Consensus. Not counted in ClinVar's aggregate classification.